The following is an entry in ClinVar:

NM_001172509.2(SATB2):c.2130G>C (p.Met710Ile)

Genes: SATB2 (SATB homeobox 2; minus strand), LOC126806462 (MED14-independent group 3 enhancer GRCh37_chr2:200136608-200137807; plus strand). Cytogenetic location: 2q33.1.
Variant type: single nucleotide variant.
Coding change: c.2130G>C on transcript NM_001172509.2 (MANE Select); coding-DNA position 2130, G replaced by C.
Protein change: p.Met710Ile; replaces methionine 710 with isoleucine.
Molecular consequence: missense variant.
Genome position (GRCh38, 1-based): chr2:199,272,283, C>G on the plus strand (G>C on the coding strand, the complement: SATB2 is on the minus strand). VCF-style: chr2-199272283-C-G. GRCh37 (hg19) VCF-style: chr2-200137006-C-G.
Other names: c.2130G>C, p.Met710Ile (NM_001172517.1, NM_015265.4); short protein forms M710I.
Identifiers: ClinVar variation 1385085 (VCV001385085.9), dbSNP rs1286415699, ClinGen allele CA350385071.

ClinVar aggregate classification (germline): Uncertain significance. Review status: criteria provided, multiple submitters, no conflicts (2 of 4 stars). 2 submissions from 2 submitters: Uncertain significance (2). Last evaluated 2023-08-17.

Conditions:
Chromosome 2q32-q33 deletion syndrome (GLASS). Also called: Glass syndrome; 2q33.1 deletion syndrome. Identifiers: Orphanet 251019, MedGen C2676739, MONDO:0012864, OMIM 612313.

Submissions (2):

Labcorp Genetics (formerly Invitae), Labcorp
Classification: Uncertain significance for Chromosome 2q32-q33 deletion syndrome. Last evaluated: 2023-08-17. Review status: criteria provided, single submitter. Criteria: Invitae Variant Classification Sherloc (09022015). Collection method: clinical testing. Allele origin: germline.
Comment: In summary, the available evidence is currently insufficient to determine the role of this variant in disease. Therefore, it has been classified as a Variant of Uncertain Significance. Advanced modeling of protein sequence and biophysical properties (such as structural, functional, and spatial information, amino acid conservation, physicochemical variation, residue mobility, and thermodynamic stability) performed at Invitae indicates that this missense variant is not expected to disrupt SATB2 protein function. ClinVar contains an entry for this variant (Variation ID: 1385085). This variant has not been reported in the literature in individuals affected with SATB2-related conditions. This variant is not present in population databases (gnomAD no frequency). This sequence change replaces methionine, which is neutral and non-polar, with isoleucine, which is neutral and non-polar, at codon 710 of the SATB2 protein (p.Met710Ile).

GeneDx
Classification: Uncertain significance. Last evaluated: 2022-05-13. Review status: criteria provided, single submitter. Criteria: GeneDx Variant Classification Process June 2021. Collection method: clinical testing. Allele origin: germline. Affected: yes.
Comment: Not observed at significant frequency in large population cohorts (gnomAD); In silico analysis supports that this missense variant does not alter protein structure/function; Has not been previously published as pathogenic or benign to our knowledge